The following is an entry in ClinVar:

ClinVar aggregate classification (germline): Benign (1 of 4 stars; one submission).

Conditions:
Premature ovarian failure 2B. Identifiers: MedGen C1845105, MONDO:0010373, OMIM 300604.

Allele frequency attached by ClinVar (database versions not stated): gnomAD 0.00014 and 0.00016; gnomAD exomes 0.00018; TOPMed 0.00036; 1000 Genomes Project 30x 0.00062; 1000 Genomes Project 0.00079.
gnomAD v4.1: 26 of 159,821 alleles (0.016%); highest among the groups gnomAD compares: East Asian, 0.32%; no homozygotes.

Submission:

Illumina Laboratory Services, Illumina
Classification: Benign for Premature ovarian failure 2B. Last evaluated: 2018-01-12. Review status: criteria provided, single submitter. Criteria: ICSL Variant Classification Criteria 13 December 2019. Collection method: clinical testing. Allele origin: germline.
Comment: This variant was observed in the ICSL laboratory as part of a predisposition screen in an ostensibly healthy population. It had not been previously curated by ICSL or reported in the Human Gene Mutation Database (HGMD: prior to June 1st, 2018), and was therefore a candidate for classification through an automated scoring system. Utilizing variant allele frequency, disease prevalence and penetrance estimates, and inheritance mode, an automated score was calculated to assess if this variant is too frequent to cause the disease. Based on the score and internal cut-off values, a variant classified as benign is not then subjected to further curation. The score for this variant resulted in a classification of benign for this disease.

NM_024921.4(POF1B):c.*352A>G

Gene: POF1B (POF1B actin binding protein; minus strand). Cytogenetic location: Xq21.1.
Variant type: single nucleotide variant.
Coding change: c.*352A>G on transcript NM_024921.4 (MANE Select); 352 bases downstream of the stop codon, A replaced by G.
Molecular consequence: 3 prime UTR variant.
Genome position (GRCh38, 1-based): chrX:85,279,069, T>C on the plus strand (A>G on the coding strand, the complement: POF1B is on the minus strand). VCF-style: chrX-85279069-T-C. GRCh37 (hg19) VCF-style: chrX-84534075-T-C.
Identifiers: ClinVar variation 368775 (VCV000368775.5), dbSNP rs751560456, ClinGen allele CA10654415.